The following is an entry in ClinVar:

NM_000038.6(APC):c.4235dup (p.Met1413fs)

Gene: APC (APC regulator of Wnt signaling pathway; plus strand). Cytogenetic location: 5q22.2.
Variant type: Duplication.
Coding change: c.4235dup on transcript NM_000038.6 (MANE Select); coding-DNA position 4235, one base duplicated (G; older notation c.4235dupG).
Protein change: p.Met1413fs; shifts the reading frame from methionine 1413.
Molecular consequence: frameshift variant. On other transcripts: non-coding transcript variant (2).
Genome position (GRCh38, 1-based): chr5:112,839,829, G duplicated; the last of 2 consecutive G bases (chr5:112,839,828-112,839,829); duplicating either gives the same sequence. VCF-style (leftmost placement, unchanged base first): chr5-112839827-T-TG. GRCh37 (hg19) VCF-style: chr5-112175524-T-TG.
Other names: c.4235dup, p.Met1413fs (NM_001127510.3, NM_001354895.2, NM_001407450.1); c.4181dup, p.Met1395fs (NM_001127511.3); c.4289dup, p.Met1431fs (NM_001354896.2, NM_001407447.1, NM_001407448.1 and 1 more transcripts); c.4265dup, p.Met1423fs (NM_001354897.2); c.4160dup, p.Met1388fs (NM_001354898.2); c.4151dup, p.Met1385fs (NM_001354899.2); c.4112dup, p.Met1372fs (NM_001354900.2); c.4058dup, p.Met1354fs (NM_001354901.2, NM_001407453.1); and 11 more; short protein forms M1253fs, M1312fs, M1322fs, M1431fs, M1441fs, M1287fs, M1354fs, M1403fs.
Identifiers: ClinVar variation 2762781 (VCV002762781.3), dbSNP rs2149909613, ClinGen allele CA2697546416.

ClinVar aggregate classification (germline): Pathogenic (1 of 4 stars; one submission).

Conditions:
Familial adenomatous polyposis 1 (FAP1). Also called: POLYPOSIS, ADENOMATOUS INTESTINAL; FAMILIAL ADENOMATOUS POLYPOSIS 1, ATTENUATED. Identifiers: MedGen C2713442, MONDO:0021056, OMIM 175100. Disease mechanism: loss of function.

Submission:

Labcorp Genetics (formerly Invitae), Labcorp
Classification: Pathogenic for Familial adenomatous polyposis 1. Last evaluated: 2023-09-22. Review status: criteria provided, single submitter. Criteria: Invitae Variant Classification Sherloc (09022015). Collection method: clinical testing. Allele origin: germline.
Comment: A different truncation (p.Tyr2645Lysfs*14) that lies downstream of this variant has been determined to be pathogenic (PMID: 9824584, 1316610, 27081525, 8381579, 22135120, Invitae). This suggests that deletion of this region of the APC protein is causative of disease. For these reasons, this variant has been classified as Pathogenic. This variant is expected to disrupt the EB1 and HDLG binding sites, which mediate interactions with the cytoskeleton (PMID: 15311282, 17293347). While functional studies have not been performed to directly test the effect on APC protein function, this suggests that disruption of the C-terminal portion of the protein is functionally important. This variant has not been reported in the literature in individuals affected with APC-related conditions. This variant is not present in population databases (gnomAD no frequency). This sequence change creates a premature translational stop signal (p.Met1413Asnfs*10) in the APC gene. While this is not anticipated to result in nonsense mediated decay, it is expected to disrupt the last 1431 amino acid(s) of the APC protein.

Literature cited by the submitters: PubMed 9824584; PubMed 1316610; PubMed 27081525; PubMed 8381579; PubMed 22135120; PubMed 15311282; PubMed 17293347.